The following is an entry in ClinVar:

ClinVar aggregate classification (germline): Uncertain significance (1 of 4 stars; one submission).

Conditions:
Frontotemporal dementia and/or amyotrophic lateral sclerosis 6 (FTDALS6). Also called: VCP-Related Amyotrophic Lateral Sclerosis/Frontotemporal Dementia; VCP-Related Amyotrophic Lateral Sclerosis. Identifiers: Orphanet 275872, Orphanet 803, MedGen C5436279, MONDO:0013501, OMIM 613954.
Inclusion body myopathy with Paget disease of bone and frontotemporal dementia. Also called: Inclusion body myopathy with early-onset Paget disease and frontotemporal dementia. Identifiers: Orphanet 52430, MedGen C1833662, MONDO:0000507.

Allele frequency attached by ClinVar (database versions not stated): TOPMed 0.00001.

Submission:

Labcorp Genetics (formerly Invitae), Labcorp
Classification: Uncertain significance for Inclusion body myopathy with Paget disease of bone and frontotemporal dementia; Frontotemporal dementia and/or amyotrophic lateral sclerosis 6. Last evaluated: 2023-12-13. Review status: criteria provided, single submitter. Criteria: Invitae Variant Classification Sherloc (09022015). Collection method: clinical testing. Allele origin: germline.
Comment: This sequence change falls in intron 16 of the VCP gene. It does not directly change the encoded amino acid sequence of the VCP protein. It affects a nucleotide within the consensus splice site. This variant is not present in population databases (gnomAD no frequency). This variant has not been reported in the literature in individuals affected with VCP-related conditions. Variants that disrupt the consensus splice site are a relatively common cause of aberrant splicing (PMID: 17576681, 9536098). Algorithms developed to predict the effect of sequence changes on RNA splicing suggest that this variant is not likely to affect RNA splicing. In summary, the available evidence is currently insufficient to determine the role of this variant in disease. Therefore, it has been classified as a Variant of Uncertain Significance.

Literature cited by the submitters: PubMed 17576681; PubMed 9536098.

NM_007126.5(VCP):c.2315+6T>C

Gene: VCP (valosin containing protein; minus strand). Cytogenetic location: 9p13.3.
Variant type: single nucleotide variant.
Coding change: c.2315+6T>C on transcript NM_007126.5 (MANE Select); 6 bases into the intron after coding-DNA position 2315, T replaced by C.
Molecular consequence: intron variant.
Genome position (GRCh38, 1-based): chr9:35,057,370, A>G on the plus strand (T>C on the coding strand, the complement: VCP is on the minus strand). VCF-style: chr9-35057370-A-G. GRCh37 (hg19) VCF-style: chr9-35057367-A-G.
Other names: c.2180+6T>C (NM_001354927.2, NM_001354928.2).
Identifiers: ClinVar variation 2921393 (VCV002921393.3), dbSNP rs1828631120, ClinGen allele CA1845830805.